The following is an entry in ClinVar:

NM_205836.3(FBXO38):c.3019C>A (p.Gln1007Lys)

Gene: FBXO38 (F-box protein 38; plus strand). Cytogenetic location: 5q32.
Variant type: single nucleotide variant.
Coding change: c.3019C>A on transcript NM_205836.3 (MANE Select); coding-DNA position 3019, C replaced by A.
Protein change: p.Gln1007Lys; replaces glutamine 1007 with lysine.
Molecular consequence: missense variant.
Genome position (GRCh38, 1-based): chr5:148,438,493, C>A. VCF-style: chr5-148438493-C-A. GRCh37 (hg19) VCF-style: chr5-147818056-C-A.
Other names: p.Gln932Lys; c.2284C>A, p.Gln762Lys (NM_001271723.2); c.2794C>A, p.Gln932Lys (NM_030793.5); short protein forms Q932K, Q762K, Q1007K.
Identifiers: ClinVar variation 473957 (VCV000473957.42), dbSNP rs112383068, ClinGen allele CA3497642.

ClinVar aggregate classification (germline): Benign/Likely benign. Review status: criteria provided, multiple submitters, no conflicts (2 of 4 stars). 8 submissions from 8 submitters: Benign (2); Likely benign (3). 3 of the submissions do not count toward it. Last evaluated 2026-01-11.

Conditions:
Distal hereditary motor neuropathy type 2. Identifiers: Orphanet 139525, MedGen C3711384, MeSH C580044, MONDO:0015352.
FBXO38-related disorder. Also called: FBXO38-related condition.

Allele frequency attached by ClinVar (database versions not stated): ExAC 0.00105; ESP Exome Variant Server 0.00123; gnomAD exomes 0.00161 and 0.00098; 1000 Genomes Project 30x 0.00016; gnomAD 0.00098 and 0.00099; TOPMed 0.00100.
gnomAD v4.1: 2,466 of 1,610,150 alleles (0.15%); highest among the groups gnomAD compares: Non-Finnish European, 0.2%; 4 homozygotes.

Submissions (8):

Labcorp Genetics (formerly Invitae), Labcorp
Classification: Likely benign for Distal hereditary motor neuropathy type 2. Last evaluated: 2026-01-11. Review status: criteria provided, single submitter. Criteria: Invitae Variant Classification Sherloc (09022015). Collection method: clinical testing. Allele origin: germline.

Blueprint Genetics
Classification: Likely benign. Last evaluated: 2024-11-20. Review status: criteria provided, single submitter. Criteria: ACMG Guidelines, 2015. Collection method: clinical testing. Allele origin: germline.

CeGaT Center for Human Genetics Tuebingen
Classification: Benign. Last evaluated: 2022-05-01. Review status: criteria provided, single submitter. Criteria: CeGaT Center For Human Genetics Tuebingen Variant Classification Criteria Version 2. Collection method: clinical testing. Allele origin: germline. Affected: yes. Observed: 1 variant allele.
Comment: FBXO38: BS1, BS2

Mayo Clinic Laboratories, Mayo Clinic
Classification: Benign. Last evaluated: 2019-10-02. Review status: criteria provided, single submitter. Criteria: ACMG Guidelines, 2015. Collection method: clinical testing. Allele origin: germline. Observed: 6 variant alleles.

Ambry Genetics
Classification: Likely benign. Last evaluated: 2019-09-13. Review status: criteria provided, single submitter. Criteria: Ambry Variant Classification Scheme 2023. Collection method: clinical testing. Allele origin: germline.

PreventionGenetics, part of Exact Sciences
Classification: Likely benign for FBXO38-related condition. Last evaluated: 2024-07-12. Review status: no assertion criteria provided. Collection method: clinical testing. Allele origin: germline. Not counted in ClinVar's aggregate classification.
Comment: This variant is classified as likely benign based on ACMG/AMP sequence variant interpretation guidelines (Richards et al. 2015 PMID: 25741868, with internal and published modifications).

Clinical Genetics, Academic Medical Center
Classification: Likely benign. Review status: no assertion criteria provided. Collection method: clinical testing. Allele origin: germline. Affected: yes. Study: VKGL Data-share Consensus. Not counted in ClinVar's aggregate classification.

Genome Diagnostics Laboratory, University Medical Center Utrecht
Classification: Likely benign. Review status: no assertion criteria provided. Collection method: clinical testing. Allele origin: germline. Affected: yes. Study: VKGL Data-share Consensus. Not counted in ClinVar's aggregate classification.